The following is an entry in ClinVar:

ClinVar aggregate classification (germline): Pathogenic (1 of 4 stars; one submission).

Conditions:
Inborn genetic diseases. Identifiers: MedGen C0950123, MeSH D030342.

Submission:

Ambry Genetics
Classification: Pathogenic for Inborn genetic diseases. Last evaluated: 2016-12-09. Review status: criteria provided, single submitter. Criteria: Ambry Variant Classification Scheme 2023. Collection method: clinical testing. Allele origin: germline.
Comment: The c.1310delC pathogenic mutation, located in coding exon 11 of the SYN1 gene, results from a deletion of one nucleotide at nucleotide position 1310, causing a translational frameshift with a predicted alternate stop codon. This alteration is expected to result in loss of function by premature protein truncation or nonsense-mediated mRNA decay. As such, this alteration is interpreted as a disease-causing mutation.

NM_006950.3(SYN1):c.1310del (p.Pro437fs)

Gene: SYN1 (synapsin I; minus strand). Cytogenetic location: Xp11.3.
Variant type: Deletion.
Coding change: c.1310del on transcript NM_006950.3 (MANE Select); coding-DNA position 1310, one base deleted (C; older notation c.1310delC).
Protein change: p.Pro437fs; shifts the reading frame from proline 437.
Molecular consequence: frameshift variant.
Genome position (GRCh38, 1-based): chrX:47,574,771, G deleted on the plus strand (C on the coding strand, the reverse complement: SYN1 is on the minus strand); the first of 2 consecutive G bases (chrX:47,574,771-47,574,772); deleting either gives the same sequence. VCF-style (leftmost placement, unchanged base first): chrX-47574770-CG-C. GRCh37 (hg19) VCF-style: chrX-47434169-CG-C.
Other names: c.1310del, p.Pro437fs (NM_133499.2); c.1310delC (NM_133499.2); short protein forms P437fs.
Identifiers: ClinVar variation 588529 (VCV000588529.5), dbSNP rs1569322834, ClinGen allele CA891844270.